The following is an entry in ClinVar:

ClinVar aggregate classification (germline): Uncertain significance (1 of 4 stars; one submission).

Submission:

GeneDx
Classification: Uncertain significance. Last evaluated: 2023-11-22. Review status: criteria provided, single submitter. Criteria: GeneDx Variant Classification Process June 2021. Collection method: clinical testing. Allele origin: germline. Affected: yes.
Comment: Not observed at significant frequency in large population cohorts (gnomAD); In silico analysis supports that this missense variant has a deleterious effect on protein structure/function; Has not been previously published as pathogenic or benign to our knowledge

NM_015557.3(CHD5):c.2289C>G (p.Asn763Lys)

Gene: CHD5 (chromodomain helicase DNA binding protein 5; minus strand). Cytogenetic location: 1p36.31.
Variant type: single nucleotide variant.
Coding change: c.2289C>G on transcript NM_015557.3 (MANE Select); coding-DNA position 2289, C replaced by G.
Protein change: p.Asn763Lys; replaces asparagine 763 with lysine.
Molecular consequence: missense variant.
Genome position (GRCh38, 1-based): chr1:6,142,275, G>C on the plus strand (C>G on the coding strand, the complement: CHD5 is on the minus strand). VCF-style: chr1-6142275-G-C. GRCh37 (hg19) VCF-style: chr1-6202335-G-C.
Other names: short protein forms N763K.
Identifiers: ClinVar variation 3364563 (VCV003364563.1).